The following is an entry in ClinVar:

NM_001164508.2(NEB):c.22537A>G (p.Lys7513Glu)

Genes: RIF1 (replication timing regulatory factor 1; plus strand), NEB (nebulin; minus strand). Cytogenetic location: 2q23.3.
Variant type: single nucleotide variant.
Coding change: c.22537A>G on transcript NM_001164508.2 (MANE Select); coding-DNA position 22537, A replaced by G.
Protein change: p.Lys7513Glu; replaces lysine 7513 with glutamic acid.
Molecular consequence: missense variant.
Genome position (GRCh38, 1-based): chr2:151,519,711, T>C on the plus strand (A>G on the coding strand, the complement: NEB is on the minus strand). VCF-style: chr2-151519711-T-C. GRCh37 (hg19) VCF-style: chr2-152376225-T-C.
Other names: c.22537A>G, p.Lys7513Glu (NM_001164507.2); c.22642A>G, p.Lys7548Glu (NM_001271208.2); c.17434A>G, p.Lys5812Glu (NM_004543.5); short protein forms K7548E, K5812E, K7513E.
Identifiers: ClinVar variation 1405127 (VCV001405127.4), dbSNP rs570049431, ClinGen allele CA1906611.

ClinVar aggregate classification (germline): Uncertain significance. Review status: criteria provided, multiple submitters, no conflicts (2 of 4 stars). 2 submissions from 2 submitters: Uncertain significance (2). Last evaluated 2025-06-23.

Conditions:
Nemaline myopathy 2 (NEM2). Also called: Nemaline myopathy 2, autosomal recessive. Identifiers: MedGen C1850569, MONDO:0009725, OMIM 256030.

Allele frequency attached by ClinVar (database versions not stated): 1000 Genomes Project 30x 0.00016; gnomAD 0.00001; 1000 Genomes Project 0.00020; gnomAD exomes below 0.00001; TOPMed below 0.00001; ExAC 0.00001.
gnomAD v4.1: 4 of 1,613,504 alleles (0.00025%); highest among the groups gnomAD compares: Admixed American, 0.0033%; no homozygotes.

Submissions (2):

Revvity Omics, Revvity
Classification: Uncertain significance. Last evaluated: 2025-06-23. Review status: criteria provided, single submitter. Criteria: ACMG Guidelines, 2015. Collection method: clinical testing. Allele origin: germline.

Labcorp Genetics (formerly Invitae), Labcorp
Classification: Uncertain significance for Nemaline myopathy 2. Last evaluated: 2022-08-16. Review status: criteria provided, single submitter. Criteria: Invitae Variant Classification Sherloc (09022015). Collection method: clinical testing. Allele origin: germline.
Comment: This sequence change replaces lysine, which is basic and polar, with glutamic acid, which is acidic and polar, at codon 7548 of the NEB protein (p.Lys7548Glu). This variant is present in population databases (rs570049431, gnomAD 0.004%). This variant has not been reported in the literature in individuals affected with NEB-related conditions. ClinVar contains an entry for this variant (Variation ID: 1405127). Algorithms developed to predict the effect of missense changes on protein structure and function are either unavailable or do not agree on the potential impact of this missense change (SIFT: "Deleterious"; PolyPhen-2: "Not Available"; Align-GVGD: "Class C0"). In summary, the available evidence is currently insufficient to determine the role of this variant in disease. Therefore, it has been classified as a Variant of Uncertain Significance.